The following is an entry in ClinVar:

ClinVar aggregate classification (germline): Uncertain significance (1 of 4 stars; one submission).

Conditions:
Arrhythmogenic cardiomyopathy with wooly hair and keratoderma. Also called: Carvajal syndrome; PALMOPLANTAR KERATODERMA WITH LEFT VENTRICULAR CARDIOMYOPATHY AND WOOLLY HAIR; Dilated cardiomyopathy with woolly hair and keratoderma; Arrhythmogenic cardiomyopathy with woolly hair and keratoderma. Identifiers: Orphanet 65282, MedGen C1854063, MONDO:0011581, OMIM 605676.
Arrhythmogenic right ventricular dysplasia 8 (ARVD8). Also called: ARRHYTHMOGENIC RIGHT VENTRICULAR CARDIOMYOPATHY 8; ARRHYTHMOGENIC RIGHT VENTRICULAR DYSPLASIA, FAMILIAL, 8; Arrhythmogenic Right Ventricular Dysplasia/Cardiomyopathy 8. Identifiers: MedGen C1843896, MONDO:0011831, OMIM 607450.

Submission:

Labcorp Genetics (formerly Invitae), Labcorp
Classification: Uncertain significance for Arrhythmogenic cardiomyopathy with wooly hair and keratoderma; Arrhythmogenic right ventricular dysplasia 8. Last evaluated: 2022-10-10. Review status: criteria provided, single submitter. Criteria: Invitae Variant Classification Sherloc (09022015). Collection method: clinical testing. Allele origin: germline.
Comment: Algorithms developed to predict the effect of missense changes on protein structure and function (SIFT, PolyPhen-2, Align-GVGD) all suggest that this variant is likely to be tolerated. In summary, the available evidence is currently insufficient to determine the role of this variant in disease. Therefore, it has been classified as a Variant of Uncertain Significance. This variant has not been reported in the literature in individuals affected with DSP-related conditions. This variant is not present in population databases (gnomAD no frequency). This sequence change replaces methionine, which is neutral and non-polar, with isoleucine, which is neutral and non-polar, at codon 924 of the DSP protein (p.Met924Ile).

NM_004415.4(DSP):c.2772G>T (p.Met924Ile)

Gene: DSP (desmoplakin; plus strand). Cytogenetic location: 6p24.3.
Variant type: single nucleotide variant.
Coding change: c.2772G>T on transcript NM_004415.4 (MANE Select); coding-DNA position 2772, G replaced by T.
Protein change: p.Met924Ile; replaces methionine 924 with isoleucine.
Molecular consequence: missense variant.
Genome position (GRCh38, 1-based): chr6:7,576,435, G>T. VCF-style: chr6-7576435-G-T. GRCh37 (hg19) VCF-style: chr6-7576668-G-T.
Other names: c.2772G>T, p.Met924Ile (NM_001008844.3, NM_001319034.2); short protein forms M924I.
Identifiers: ClinVar variation 1912264 (VCV001912264.5), dbSNP rs2533911731, ClinGen allele CA362682095.